The following is an entry in ClinVar:

NM_001999.4(FBN2):c.4751_4757dup (p.Gly1587fs)

Gene: FBN2 (fibrillin 2; minus strand). Cytogenetic location: 5q23.3.
Variant type: Duplication.
Coding change: c.4751_4757dup on transcript NM_001999.4 (MANE Select); coding-DNA positions 4751 to 4757, 7 bases duplicated (GACCTCG; older notation c.4751_4757dupGACCTCG).
Protein change: p.Gly1587fs; shifts the reading frame from glycine 1587.
Molecular consequence: frameshift variant.
Genome position (GRCh38, 1-based): chr5:128,312,756-128,312,762, CGAGGTC duplicated on the plus strand (GACCTCG on the coding strand, the reverse complement: FBN2 is on the minus strand); duplicating any 7 consecutive bases within chr5:128,312,756-128,312,763 gives the same sequence; the c. name uses the placement nearest the transcript's 3' end. VCF-style (leftmost placement, unchanged base first): chr5-128312755-T-TCGAGGTC. GRCh37 (hg19) VCF-style: chr5-127648447-T-TCGAGGTC.
Other names: short protein forms G1587fs.
Identifiers: ClinVar variation 4527849 (VCV004527849.1).

ClinVar aggregate classification (germline): Uncertain significance (1 of 4 stars; one submission).

Submission:

GeneDx
Classification: Uncertain significance. Last evaluated: 2025-05-08. Review status: criteria provided, single submitter. Criteria: GeneDx Variant Classification Process June 2021. Collection method: clinical testing. Allele origin: germline. Affected: yes.
Comment: Not observed at significant frequency in large population cohorts (gnomAD); Frameshift variant predicted to result in protein truncation or nonsense mediated decay in a gene or region of a gene for which loss of function is not a well-established mechanism of disease; Has not been previously published as pathogenic or benign to our knowledge